The following is an entry in ClinVar:

NM_005932.4(MIPEP):c.1970+8G>T

Gene: MIPEP (mitochondrial intermediate peptidase; minus strand). Cytogenetic location: 13q12.12.
Variant type: single nucleotide variant.
Coding change: c.1970+8G>T on transcript NM_005932.4 (MANE Select); 8 bases into the intron after coding-DNA position 1970, G replaced by T.
Molecular consequence: intron variant.
Genome position (GRCh38, 1-based): chr13:23,760,088, C>A on the plus strand (G>T on the coding strand, the complement: MIPEP is on the minus strand). VCF-style: chr13-23760088-C-A. GRCh37 (hg19) VCF-style: chr13-24334227-C-A.
Identifiers: ClinVar variation 2025408 (VCV002025408.1), dbSNP rs1212512350, ClinGen allele CA608914988.

ClinVar aggregate classification (germline): Uncertain significance (1 of 4 stars; one submission).

Submission:

Labcorp Genetics (formerly Invitae), Labcorp
Classification: Uncertain significance. Last evaluated: 2022-08-20. Review status: criteria provided, single submitter. Criteria: Invitae Variant Classification Sherloc (09022015). Collection method: clinical testing. Allele origin: germline.
Comment: This sequence change falls in intron 17 of the MIPEP gene. It does not directly change the encoded amino acid sequence of the MIPEP protein. This variant is not present in population databases (gnomAD no frequency). This variant has not been reported in the literature in individuals affected with MIPEP-related conditions. Algorithms developed to predict the effect of sequence changes on RNA splicing suggest that this variant may disrupt the consensus splice site. In summary, the available evidence is currently insufficient to determine the role of this variant in disease. Therefore, it has been classified as a Variant of Uncertain Significance.